The following is an entry in ClinVar:

ClinVar aggregate classification (germline): Benign/Likely benign. Review status: criteria provided, multiple submitters, no conflicts (2 of 4 stars). 3 submissions from 3 submitters: Benign (1); Likely benign (2). Last evaluated 2025-03-19.

Conditions:
Juvenile polyposis/hereditary hemorrhagic telangiectasia syndrome (JPHT). Also called: Juvenile Polyposis Syndrome / Hereditary Hemorrhagic Telangiectasia (JPS/HHT); JP/HHT SYNDROME; JUVENILE POLYPOSIS WITH HEREDITARY HEMORRHAGIC TELANGIECTASIA; POLYPOSIS, GENERALIZED JUVENILE, WITH PULMONARY ARTERIOVENOUS MALFORMATION; TELANGIECTASIA, HEREDITARY HEMORRHAGIC, WITH JUVENILE POLYPOSIS COLI. Identifiers: Orphanet 2929, MedGen C1832942, MONDO:0008278, OMIM 175050.
Juvenile polyposis syndrome (JPS). Identifiers: Orphanet 2929, MedGen C0345893, MONDO:0017380, OMIM 174900.
Familial thoracic aortic aneurysm and aortic dissection (TAAD). Also called: Thoracic aortic aneurysms and dissections. Identifiers: Orphanet 91387, MedGen C4707243, MONDO:0019625.
Hereditary cancer-predisposing syndrome. Also called: Neoplastic Syndromes, Hereditary; Tumor predisposition; Hereditary neoplastic syndrome; Hereditary Cancer Syndrome. Identifiers: Orphanet 140162, MedGen C0027672, MeSH D009386, MONDO:0015356.

Submissions (3):

Myriad Genetics, Inc.
Classification: Benign for Juvenile polyposis/hereditary hemorrhagic telangiectasia syndrome. Last evaluated: 2025-03-19. Review status: criteria provided, single submitter. Criteria: Myriad Autosomal Dominant, Autosomal Recessive and X-Linked Classification Criteria (2023). Collection method: clinical testing. Allele origin: unknown.
Comment: This variant is considered benign. This variant is a silent/synonymous amino acid change and it is not expected to impact splicing.

Labcorp Genetics (formerly Invitae), Labcorp
Classification: Likely benign for Juvenile polyposis syndrome. Last evaluated: 2024-06-09. Review status: criteria provided, single submitter. Criteria: Invitae Variant Classification Sherloc (09022015). Collection method: clinical testing. Allele origin: germline.

Ambry Genetics
Classification: Likely benign for Hereditary cancer-predisposing syndrome; Familial thoracic aortic aneurysm and aortic dissection. Last evaluated: 2024-02-29. Review status: criteria provided, single submitter. Criteria: Ambry Variant Classification Scheme 2023. Collection method: clinical testing. Allele origin: germline.

NM_005359.6(SMAD4):c.663C>T (p.Ser221=)

Gene: SMAD4 (SMAD family member 4; plus strand). Cytogenetic location: 18q21.2.
Variant type: single nucleotide variant.
Coding change: c.663C>T on transcript NM_005359.6 (MANE Select); coding-DNA position 663, C replaced by T.
Protein change: p.Ser221=; no amino-acid change (serine 221 retained).
Molecular consequence: synonymous variant. On other transcripts: non-coding transcript variant (2).
Genome position (GRCh38, 1-based): chr18:51,054,989, C>T. VCF-style: chr18-51054989-C-T. GRCh37 (hg19) VCF-style: chr18-48581359-C-T.
Other names: c.663C>T, p.Ser221= (NM_001407041.1, NM_001407042.1, NM_001407043.1).
Identifiers: ClinVar variation 3023504 (VCV003023504.5), dbSNP rs2144419707, ClinGen allele CA503873803.
Genomic context (GRCh38, chr18:51,054,989, plus strand): 5'-AGCCCCATCTGAGTCTAATGCTACCAGCACTGCCAACTTTCCCAACATTCCTGTGGCTTC[C>T]ACAAGTGAGTTCTAGAATCAGATGTAGTCAGCAAGTTGAGTTTTCCTAATCATTGCTTAT-3'
Protein context (NP_005350.1, residues 211-231): TANFPNIPVA[Ser221=]TSQPASILGG